The following is an entry in ClinVar:

ClinVar aggregate classification (germline): Uncertain significance (1 of 4 stars; one submission).

Submission:

GeneDx
Classification: Uncertain significance. Last evaluated: 2022-02-09. Review status: criteria provided, single submitter. Criteria: GeneDx Variant Classification Process June 2021. Collection method: clinical testing. Allele origin: germline. Affected: yes.
Comment: Not observed at significant frequency in large population cohorts (gnomAD); In silico analysis supports that this missense variant has a deleterious effect on protein structure/function; Has not been previously published as pathogenic or benign to our knowledge

NM_020297.4(ABCC9):c.3749T>C (p.Leu1250Ser)

Genes: ABCC9 (ATP binding cassette subfamily C member 9; minus strand), KCNJ8-AS1 (KCNJ8 antisense RNA 1; plus strand). Cytogenetic location: 12p12.1.
Variant type: single nucleotide variant.
Coding change: c.3749T>C on transcript NM_020297.4 (MANE Select); coding-DNA position 3749, T replaced by C.
Protein change: p.Leu1250Ser; replaces leucine 1250 with serine.
Molecular consequence: missense variant.
Genome position (GRCh38, 1-based): chr12:21,818,172, A>G on the plus strand (T>C on the coding strand, the complement: ABCC9 is on the minus strand). VCF-style: chr12-21818172-A-G. GRCh37 (hg19) VCF-style: chr12-21971106-A-G.
Other names: c.3749T>C, p.Leu1250Ser (NM_001377273.1, NM_005691.4); c.2882T>C, p.Leu961Ser (NM_001377274.1); short protein forms L1250S, L961S.
Identifiers: ClinVar variation 1700731 (VCV001700731.2), dbSNP rs2137194707, ClinGen allele CA384137451.